The following is an entry in ClinVar:

ClinVar aggregate classification (germline): Uncertain significance (1 of 4 stars; one submission).

Conditions:
Hyperekplexia 3 (HKPX3). Also called: HYPEREKPLEXIA 3, AUTOSOMAL RECESSIVE; HYPEREKPLEXIA 3, AUTOSOMAL DOMINANT. Identifiers: Orphanet 3197, MedGen C3553288, MONDO:0013827, OMIM 614618.

Submission:

Labcorp Genetics (formerly Invitae), Labcorp
Classification: Uncertain significance for Hyperekplexia 3. Last evaluated: 2019-09-18. Review status: criteria provided, single submitter. Criteria: Invitae Variant Classification Sherloc (09022015). Collection method: clinical testing. Allele origin: germline.
Comment: In summary, the available evidence is currently insufficient to determine the role of this variant in disease. Therefore, it has been classified as a Variant of Uncertain Significance. This sequence change replaces proline with glutamine at codon 429 of the SLC6A5 protein (p.Pro429Gln). The proline residue is highly conserved and there is a moderate physicochemical difference between proline and glutamine. This variant is not present in population databases (ExAC no frequency). This variant has not been reported in the literature in individuals with SLC6A5-related conditions. Algorithms developed to predict the effect of missense changes on protein structure and function (SIFT, PolyPhen-2, Align-GVGD) all suggest that this variant is likely to be disruptive, but these predictions have not been confirmed by published functional studies and their clinical significance is uncertain. Algorithms developed to predict the effect of sequence changes on RNA splicing suggest that this variant may create or strengthen a splice site, but this prediction has not been confirmed by published transcriptional studies.

NM_004211.5(SLC6A5):c.1286C>A (p.Pro429Gln)

Gene: SLC6A5 (solute carrier family 6 member 5; plus strand). Cytogenetic location: 11p15.1.
Variant type: single nucleotide variant.
Coding change: c.1286C>A on transcript NM_004211.5 (MANE Select); coding-DNA position 1286, C replaced by A.
Protein change: p.Pro429Gln; replaces proline 429 with glutamine.
Molecular consequence: missense variant.
Genome position (GRCh38, 1-based): chr11:20,626,733, C>A. VCF-style: chr11-20626733-C-A. GRCh37 (hg19) VCF-style: chr11-20648279-C-A.
Other names: c.584C>A, p.Pro195Gln (NM_001318369.2); short protein forms P429Q, P195Q.
Identifiers: ClinVar variation 942453 (VCV000942453.9), dbSNP rs745539706, ClinGen allele CA379916926.